The following is an entry in ClinVar:

ClinVar aggregate classification (germline): Uncertain significance (1 of 4 stars; one submission).

Submission:

GeneDx
Classification: Uncertain significance. Last evaluated: 2023-06-08. Review status: criteria provided, single submitter. Criteria: GeneDx Variant Classification Process June 2021. Collection method: clinical testing. Allele origin: germline. Affected: yes.
Comment: Not observed at significant frequency in large population cohorts (gnomAD); In silico analysis supports that this missense variant does not alter protein structure/function; Has not been previously published as pathogenic or benign to our knowledge

NM_001148.6(ANK2):c.5296A>G (p.Ile1766Val)

Genes: ANK2 (ankyrin 2; plus strand), LOC126807136 (MED14-independent group 3 enhancer GRCh37_chr4:114274931-114276130; plus strand). Cytogenetic location: 4q26.
Variant type: single nucleotide variant.
Coding change: c.5296A>G on transcript NM_001148.6 (MANE Select); coding-DNA position 5296, A replaced by G.
Protein change: p.Ile1766Val; replaces isoleucine 1766 with valine.
Molecular consequence: missense variant. On other transcripts: intron variant (68).
Genome position (GRCh38, 1-based): chr4:113,353,914, A>G. VCF-style: chr4-113353914-A-G. GRCh37 (hg19) VCF-style: chr4-114275070-A-G.
Other names: c.5062A>G, p.Ile1688Val (NM_001386142.1); c.1696A>G, p.Ile566Val (NM_001386166.1); c.5437A>G, p.Ile1813Val (NM_001386174.1); c.5413A>G, p.Ile1805Val (NM_001386175.1); c.4411+3665A>G (NM_001386186.2, NM_001386148.2); c.4213+3665A>G (NM_001354269.3); c.4291+3665A>G (NM_001386187.2); c.4252+3665A>G (NM_001386147.1); and 35 more; short protein forms I1688V, I1766V, I1805V, I1813V, I566V.
Identifiers: ClinVar variation 3253325 (VCV003253325.1), dbSNP rs2154019333.